The following is an entry in ClinVar:

NM_004333.6(BRAF):c.172C>A (p.Gln58Lys)

Gene: BRAF (B-Raf proto-oncogene, serine/threonine kinase; minus strand). Cytogenetic location: 7q34.
Variant type: single nucleotide variant.
Coding change: c.172C>A on transcript NM_004333.6 (MANE Select); coding-DNA position 172, C replaced by A.
Protein change: p.Gln58Lys; replaces glutamine 58 with lysine.
Molecular consequence: missense variant. On other transcripts: intron variant (1).
Genome position (GRCh38, 1-based): chr7:140,850,179, G>T on the plus strand (C>A on the coding strand, the complement: BRAF is on the minus strand). VCF-style: chr7-140850179-G-T. GRCh37 (hg19) VCF-style: chr7-140549979-G-T.
Other names: c.139-15307C>A (NM_001378470.1); c.172C>A, p.Gln58Lys (NM_001374258.1, NM_001378467.1, NM_001378468.1 and 6 more transcripts); c.16C>A, p.Gln6Lys (NM_001378472.1, NM_001378473.1); short protein forms Q6K, Q58K.
Identifiers: ClinVar variation 3669844 (VCV003669844.2).

ClinVar aggregate classification (germline): Uncertain significance (1 of 4 stars; one submission).

Conditions:
RASopathy. Also called: rasopathies; Noonan spectrum disorder. Identifiers: Orphanet 536391, MedGen C5555857, MONDO:0021060.

Submission:

Labcorp Genetics (formerly Invitae), Labcorp
Classification: Uncertain significance for RASopathy. Last evaluated: 2025-01-31. Review status: criteria provided, single submitter. Criteria: Invitae Variant Classification Sherloc (09022015). Collection method: clinical testing. Allele origin: germline.
Comment: This sequence change replaces glutamine, which is neutral and polar, with lysine, which is basic and polar, at codon 58 of the BRAF protein (p.Gln58Lys). This variant is not present in population databases (gnomAD no frequency). This variant has not been reported in the literature in individuals affected with BRAF-related conditions. Invitae Evidence Modeling of protein sequence and biophysical properties (such as structural, functional, and spatial information, amino acid conservation, physicochemical variation, residue mobility, and thermodynamic stability) indicates that this missense variant is not expected to disrupt BRAF protein function with a negative predictive value of 95%. In summary, the available evidence is currently insufficient to determine the role of this variant in disease. Therefore, it has been classified as a Variant of Uncertain Significance.